The following is an entry in ClinVar:

NM_000135.4(FANCA):c.3238C>T (p.Arg1080Trp)

Gene: FANCA (FA complementation group A; minus strand). Cytogenetic location: 16q24.3.
Variant type: single nucleotide variant.
Coding change: c.3238C>T on transcript NM_000135.4 (MANE Select); coding-DNA position 3238, C replaced by T.
Protein change: p.Arg1080Trp; replaces arginine 1080 with tryptophan.
Molecular consequence: missense variant.
Genome position (GRCh38, 1-based): chr16:89,749,731, G>A on the plus strand (C>T on the coding strand, the complement: FANCA is on the minus strand). VCF-style: chr16-89749731-G-A. GRCh37 (hg19) VCF-style: chr16-89816139-G-A.
Other names: c.3238C>T, p.Arg1080Trp (NM_001286167.3); short protein forms R1080W.
Identifiers: ClinVar variation 1319521 (VCV001319521.5), dbSNP rs760392231, ClinGen allele CA8251286.
Genomic context (GRCh38, chr16:89,749,731, plus strand): 5'-TCATGAGATGCTGCCCTGCCCAGGTGGTGCTGCCCTGCCCAGGTGGTAGTAGGTGTTACC[G>A]TTTGTACATTAGCAGCTCCCTCTGTCTCTGAAGGCTGGCAGCCACGCTCCACCCGCTTGT-3'
Protein context (NP_000126.2, residues 1070-1090): QRQRELLMYK[Arg1080Trp]ILLRLPSSVL

ClinVar aggregate classification (germline): Uncertain significance. Review status: criteria provided, multiple submitters, no conflicts (2 of 4 stars). 2 submissions from 2 submitters: Uncertain significance (2). Last evaluated 2021-11-17.

Conditions:
Fanconi anemia (FA). Also called: Fanconi's anemia. Identifiers: Orphanet 84, MedGen C0015625, MeSH D005199, MONDO:0019391.

Allele frequency attached by ClinVar (database versions not stated): gnomAD exomes 0.00001; TOPMed below 0.00001; ExAC 0.00001.
gnomAD v4.1: 13 of 1,613,592 alleles (0.00081%); highest among the groups gnomAD compares: South Asian, 0.0033%; no homozygotes.

Submissions (2):

Labcorp Genetics (formerly Invitae), Labcorp
Classification: Uncertain significance for Fanconi anemia. Last evaluated: 2021-11-17. Review status: criteria provided, single submitter. Criteria: Invitae Variant Classification Sherloc (09022015). Collection method: clinical testing. Allele origin: germline.
Comment: This sequence change replaces arginine, which is basic and polar, with tryptophan, which is neutral and slightly polar, at codon 1080 of the FANCA protein (p.Arg1080Trp). This variant is present in population databases (rs760392231, gnomAD 0.003%). This variant has not been reported in the literature in individuals affected with FANCA-related conditions. ClinVar contains an entry for this variant (Variation ID: 1319521). Algorithms developed to predict the effect of missense changes on protein structure and function output the following: SIFT: "Tolerated"; PolyPhen-2: "Possibly Damaging"; Align-GVGD: "Class C0". The tryptophan amino acid residue is found in multiple mammalian species, which suggests that this missense change does not adversely affect protein function. Algorithms developed to predict the effect of sequence changes on RNA splicing suggest that this variant may disrupt the consensus splice site. In summary, the available evidence is currently insufficient to determine the role of this variant in disease. Therefore, it has been classified as a Variant of Uncertain Significance.

Institute for Clinical Genetics, University Hospital TU Dresden, University Hospital TU Dresden
Classification: Uncertain significance. Last evaluated: 2021-11-03. Review status: criteria provided, single submitter. Criteria: ACMG Guidelines, 2015. Collection method: clinical testing. Allele origin: germline.